The following is an entry in ClinVar:

ClinVar aggregate classification (germline): Uncertain significance (1 of 4 stars; one submission).

gnomAD v4.1: 1 of 1,612,058 alleles (0.000062%); highest among the groups gnomAD compares: Non-Finnish European, 0.000085%; no homozygotes.

Submission:

Labcorp Genetics (formerly Invitae), Labcorp
Classification: Uncertain significance. Last evaluated: 2022-06-02. Review status: criteria provided, single submitter. Criteria: Invitae Variant Classification Sherloc (09022015). Collection method: clinical testing. Allele origin: germline.
Comment: This sequence change replaces leucine, which is neutral and non-polar, with valine, which is neutral and non-polar, at codon 452 of the CLCN7 protein (p.Leu452Val). This variant is not present in population databases (gnomAD no frequency). This variant has not been reported in the literature in individuals affected with CLCN7-related conditions. Algorithms developed to predict the effect of missense changes on protein structure and function are either unavailable or do not agree on the potential impact of this missense change (SIFT: "Deleterious"; PolyPhen-2: "Benign"; Align-GVGD: "Class C0"). In summary, the available evidence is currently insufficient to determine the role of this variant in disease. Therefore, it has been classified as a Variant of Uncertain Significance.

NM_001287.6(CLCN7):c.1354C>G (p.Leu452Val)

Gene: CLCN7 (chloride voltage-gated channel 7; minus strand). Cytogenetic location: 16p13.3.
Variant type: single nucleotide variant.
Coding change: c.1354C>G on transcript NM_001287.6 (MANE Select); coding-DNA position 1354, C replaced by G.
Protein change: p.Leu452Val; replaces leucine 452 with valine.
Molecular consequence: missense variant.
Genome position (GRCh38, 1-based): chr16:1,451,716, G>C on the plus strand (C>G on the coding strand, the complement: CLCN7 is on the minus strand). VCF-style: chr16-1451716-G-C. GRCh37 (hg19) VCF-style: chr16-1501717-G-C.
Other names: c.1282C>G, p.Leu428Val (NM_001114331.3); short protein forms L428V, L452V.
Identifiers: ClinVar variation 1928348 (VCV001928348.5), dbSNP rs781106093, ClinGen allele CA394188329.